The following is an entry in ClinVar:

ClinVar aggregate classification (germline): Uncertain significance (0 of 4 stars; one submission).

Conditions:
DYRK1B-related disorder. Also called: DYRK1B-related condition.

gnomAD v4.1: 9 of 1,614,048 alleles (0.00056%); highest among the groups gnomAD compares: African/African-American, 0.004%; no homozygotes.

Submission:

PreventionGenetics, part of Exact Sciences
Classification: Uncertain significance for DYRK1B-related condition. Last evaluated: 2024-01-10. Review status: no assertion criteria provided. Collection method: clinical testing. Allele origin: germline.
Comment: The DYRK1B c.760G>A variant is predicted to result in the amino acid substitution p.Ala254Thr. To our knowledge, this variant has not been reported in the literature. This variant is reported in 0.0080% of alleles in individuals of African descent in gnomAD. At this time, the clinical significance of this variant is uncertain due to the absence of conclusive functional and genetic evidence.

NM_004714.3(DYRK1B):c.760G>A (p.Ala254Thr)

Gene: DYRK1B (dual specificity tyrosine phosphorylation regulated kinase 1B; minus strand). Cytogenetic location: 19q13.2.
Variant type: single nucleotide variant.
Coding change: c.760G>A on transcript NM_004714.3 (MANE Select); coding-DNA position 760, G replaced by A.
Protein change: p.Ala254Thr; replaces alanine 254 with threonine.
Molecular consequence: missense variant.
Genome position (GRCh38, 1-based): chr19:39,828,344, C>T on the plus strand (G>A on the coding strand, the complement: DYRK1B is on the minus strand). VCF-style: chr19-39828344-C-T. GRCh37 (hg19) VCF-style: chr19-40318984-C-T.
Other names: c.760G>A, p.Ala254Thr (NM_006483.3, NM_006484.3); short protein forms A254T.
Identifiers: ClinVar variation 3356234 (VCV003356234.1).